The following is an entry in ClinVar:

ClinVar aggregate classification (germline): Likely benign. Review status: criteria provided, single submitter (1 of 4 stars). 2 submissions from 2 submitters: Likely benign (1). 1 of the submissions does not count toward it. Last evaluated 2026-09-01.

Conditions:
CAPN15-related disorder. Also called: CAPN15-related condition.

Allele frequency attached by ClinVar (database versions not stated): 1000 Genomes Project 0.00140; 1000 Genomes Project 30x 0.00156; ESP Exome Variant Server 0.00404.

Submissions (2):

CeGaT Center for Human Genetics Tuebingen
Classification: Likely benign. Last evaluated: 2026-09-01. Review status: criteria provided, single submitter. Criteria: CeGaT Center For Human Genetics Tuebingen Variant Classification Criteria Version 2. Collection method: clinical testing. Allele origin: germline. Affected: yes. Observed: 11 variant alleles.
Comment: CAPN15: BP4, BS2

PreventionGenetics, part of Exact Sciences
Classification: Likely benign for CAPN15-related condition. Last evaluated: 2019-10-14. Review status: no assertion criteria provided. Collection method: clinical testing. Allele origin: germline. Not counted in ClinVar's aggregate classification.
Comment: This variant is classified as likely benign based on ACMG/AMP sequence variant interpretation guidelines (Richards et al. 2015 PMID: 25741868, with internal and published modifications).

NM_005632.3(CAPN15):c.221C>T (p.Ala74Val)

Gene: CAPN15 (calpain 15; plus strand). Cytogenetic location: 16p13.3.
Variant type: single nucleotide variant.
Coding change: c.221C>T on transcript NM_005632.3 (MANE Select); coding-DNA position 221, C replaced by T.
Protein change: p.Ala74Val; replaces alanine 74 with valine.
Molecular consequence: missense variant.
Genome position (GRCh38, 1-based): chr16:547,059, C>T. VCF-style: chr16-547059-C-T. GRCh37 (hg19) VCF-style: chr16-597059-C-T.
Other names: c.221C>T (NM_005632.2); short protein forms A74V.
Identifiers: ClinVar variation 2645791 (VCV002645791.25), dbSNP rs141227716, ClinGen allele CA7778017.